The following is an entry in ClinVar:

ClinVar aggregate classification (germline): Uncertain significance. Review status: criteria provided, multiple submitters, no conflicts (2 of 4 stars). 4 submissions from 4 submitters: Uncertain significance (4). Last evaluated 2025-07-18.

Conditions:
Cardiomyopathy (CMYO). Also called: Cardiomyopathies. Identifiers: Orphanet 167848, MedGen C0878544, MONDO:0004994, HP:0001638. Inheritance: Various modes of inheritance.
Cardiovascular phenotype. Identifiers: MedGen CN230736.
Hypertrophic cardiomyopathy. Also called: HYPERTROPHIC MYOCARDIOPATHY. Identifiers: Orphanet 217569, MedGen C0007194, MeSH D002312, MONDO:0005045, HP:0001639.

Allele frequency attached by ClinVar (database versions not stated): gnomAD 0.00001 and 0.00002; gnomAD exomes 0.00001 and 0.00002; TOPMed 0.00001; ExAC 0.00003; 1000 Genomes Project 30x 0.00016; 1000 Genomes Project 0.00020.
gnomAD v4.1: 13 of 1,614,202 alleles (0.00081%); highest among the groups gnomAD compares: South Asian, 0.0033%; no homozygotes.

Submissions (4):

Labcorp Genetics (formerly Invitae), Labcorp
Classification: Uncertain significance for Hypertrophic cardiomyopathy. Last evaluated: 2025-07-18. Review status: criteria provided, single submitter. Criteria: Invitae Variant Classification Sherloc (09022015). Collection method: clinical testing. Allele origin: germline.
Comment: This sequence change replaces alanine, which is neutral and non-polar, with threonine, which is neutral and polar, at codon 1672 of the MYH7 protein (p.Ala1672Thr). This variant is present in population databases (rs550015662, gnomAD 0.006%). This variant has not been reported in the literature in individuals affected with MYH7-related conditions. ClinVar contains an entry for this variant (Variation ID: 662104). Invitae Evidence Modeling of protein sequence and biophysical properties (such as structural, functional, and spatial information, amino acid conservation, physicochemical variation, residue mobility, and thermodynamic stability) indicates that this missense variant is expected to disrupt MYH7 protein function with a positive predictive value of 80%. In summary, the available evidence is currently insufficient to determine the role of this variant in disease. Therefore, it has been classified as a Variant of Uncertain Significance.

Ambry Genetics
Classification: Uncertain significance for Cardiovascular phenotype. Last evaluated: 2024-05-23. Review status: criteria provided, single submitter. Criteria: Ambry Variant Classification Scheme 2023. Collection method: clinical testing. Allele origin: germline.
Comment: The p.A1672T variant (also known as c.5014G>A), located in coding exon 33 of the MYH7 gene, results from a G to A substitution at nucleotide position 5014. The alanine at codon 1672 is replaced by threonine, an amino acid with similar properties. This amino acid position is highly conserved in available vertebrate species. In addition, the in silico prediction for this alteration is inconclusive. Based on the available evidence, the clinical significance of this variant remains unclear.

Color Diagnostics, LLC DBA Color Health
Classification: Uncertain significance for Cardiomyopathy. Last evaluated: 2018-12-07. Review status: criteria provided, single submitter. Criteria: ACMG Guidelines, 2015. Collection method: clinical testing. Allele origin: germline.
Comment: Variant of Uncertain Significance due to insufficient evidence: This missense variant is located in the LMM domain of the MYH7 protein, a C-terminal tail region that forms the thick filament backbone and interacts with other proteins. Computational prediction tools and conservation analyses are inconclusive regarding the impact of this variant on the protein function. Computational splicing tools suggest that this variant may not impact RNA splicing. To our knowledge, functional assays have not been performed for this variant nor has this variant been reported in individuals affected with cardiovascular disorders in the literature. This variant has been identified in 5/246206 chromosomes in the general population by the Genome Aggregation Database (gnomAD). Available evidence is insufficient to determine the pathogenicity of this variant conclusively.

Blueprint Genetics
Classification: Uncertain significance. Last evaluated: 2018-04-23. Review status: criteria provided, single submitter. Criteria: ACMG Guidelines, 2015. Collection method: clinical testing. Allele origin: germline.

NM_000257.4(MYH7):c.5014G>A (p.Ala1672Thr)

Genes: MHRT (myosin heavy chain associated RNA transcript; plus strand), MYH7 (myosin heavy chain 7; minus strand), LOC126861897 (BRD4-independent group 4 enhancer GRCh37_chr14:23884455-23885654; plus strand). Cytogenetic location: 14q11.2.
Variant type: single nucleotide variant.
Coding change: c.5014G>A on transcript NM_000257.4 (MANE Select); coding-DNA position 5014, G replaced by A.
Protein change: p.Ala1672Thr; replaces alanine 1672 with threonine.
Molecular consequence: missense variant. On other transcripts: non-coding transcript variant (1).
Genome position (GRCh38, 1-based): chr14:23,415,772, C>T on the plus strand (G>A on the coding strand, the complement: MYH7 is on the minus strand). VCF-style: chr14-23415772-C-T. GRCh37 (hg19) VCF-style: chr14-23884981-C-T.
Other names: short protein forms A1672T.
Identifiers: ClinVar variation 662104 (VCV000662104.18), dbSNP rs550015662, ClinGen allele CA044783.